The following is an entry in ClinVar:

NM_001375405.1(CEP120):c.212A>G (p.Gln71Arg)

Gene: CEP120 (centrosomal protein 120; minus strand). Cytogenetic location: 5q23.2.
Variant type: single nucleotide variant.
Coding change: c.212A>G on transcript NM_001375405.1 (MANE Select); coding-DNA position 212, A replaced by G.
Protein change: p.Gln71Arg; replaces glutamine 71 with arginine.
Molecular consequence: missense variant. On other transcripts: 5 prime UTR variant (2), non-coding transcript variant (1).
Genome position (GRCh38, 1-based): chr5:123,416,119, T>C on the plus strand (A>G on the coding strand, the complement: CEP120 is on the minus strand). VCF-style: chr5-123416119-T-C. GRCh37 (hg19) VCF-style: chr5-122751813-T-C.
Other names: c.134A>G, p.Gln45Arg (NM_001166226.2); c.212A>G, p.Gln71Arg (NM_001375406.1, NM_001375407.1, NM_153223.4); c.-537A>G (NM_001375408.1); c.-479A>G (NM_001375409.1); short protein forms Q45R, Q71R.
Identifiers: ClinVar variation 2501640 (VCV002501640.1), dbSNP rs372077391, ClinGen allele CA125999553.

ClinVar aggregate classification (germline): Uncertain significance (1 of 4 stars; one submission).

Allele frequency attached by ClinVar (database versions not stated): gnomAD exomes below 0.00001; gnomAD 0.00001; ESP Exome Variant Server 0.00008.

Submission:

GeneDx
Classification: Uncertain significance. Last evaluated: 2022-11-08. Review status: criteria provided, single submitter. Criteria: GeneDx Variant Classification Process June 2021. Collection method: clinical testing. Allele origin: germline. Affected: yes.
Comment: Not observed at significant frequency in large population cohorts (gnomAD); In silico analysis supports that this missense variant has a deleterious effect on protein structure/function; Has not been previously published as pathogenic or benign to our knowledge